The following continues an entry in ClinVar:

NM_000441.2(SLC26A4):c.1334T>G (p.Leu445Trp)

Gene: SLC26A4. ClinVar aggregate classification (germline): Pathogenic. Pathogenic (23).

Submissions 12 to 28 of 28:

Laboratory of Medical Genetics, National & Kapodistrian University of Athens
Classification: Pathogenic for Pendred syndrome. Last evaluated: 2024-02-01. Review status: criteria provided, single submitter. Criteria: ACMG Guidelines, 2015. Collection method: curation. Allele origin: germline. Affected: no.

Revvity Omics, Revvity
Classification: Pathogenic. Last evaluated: 2024-01-31. Review status: criteria provided, single submitter. Criteria: ACMG Guidelines, 2015. Collection method: clinical testing. Allele origin: germline.

GeneDx
Classification: Pathogenic. Last evaluated: 2022-05-23. Review status: criteria provided, single submitter. Criteria: GeneDx Variant Classification Process June 2021. Collection method: clinical testing. Allele origin: germline. Affected: yes.
Comment: Published functional studies demonstrate a damaging effect on protein localization; protein is retained in the endoplasmic reticulum (PMID: 20128824, 19204907); In silico analysis, which includes protein predictors and evolutionary conservation, supports a deleterious effect; This variant is associated with the following publications: (PMID: 26752218, 27771369, 31020658, 31599023, 23273637, 24224479, 26226137, 29048421, 19615760, 19204907, 9618166, 28964290, 20597900, 18813951, 18285825, 15689455, 15355436, 11748854, 10602116, 10874637, 31589614, 33614372, 32645618, 20128824, 36147510, 31069529, 34410491)

AiLife Diagnostics
Classification: Pathogenic. Last evaluated: 2021-10-27. Review status: criteria provided, single submitter. Criteria: ACMG Guidelines, 2015. Collection method: clinical testing. Allele origin: germline. Affected: yes. Observed: 1 variant allele.

Genome-Nilou Lab
Classification: Pathogenic for Autosomal recessive nonsyndromic hearing loss 4. Last evaluated: 2021-09-05. Review status: criteria provided, single submitter. Criteria: ACMG Guidelines, 2015. Collection method: clinical testing. Allele origin: germline. Affected: no.

Genome-Nilou Lab
Classification: Pathogenic for Pendred syndrome. Last evaluated: 2021-07-22. Review status: criteria provided, single submitter. Criteria: ACMG Guidelines, 2015. Collection method: clinical testing. Allele origin: germline. Affected: no.

Myriad Genetics, Inc.
Classification: Pathogenic for Pendred syndrome. Last evaluated: 2019-12-24. Review status: criteria provided, single submitter. Criteria: Myriad Women's Health Autosomal Recessive and X-Linked Classification Criteria (2019). Collection method: clinical testing. Allele origin: unknown.
Comment: NM_000441.1(SLC26A4):c.1334T>G(L445W) is classified as pathogenic in the context of Pendred syndrome. Sources cited for classification include the following: PMID 18285825, 15355436, 24224479, 9618166, 19204907, 16570074, 20128824 and 23273637. Classification of NM_000441.1(SLC26A4):c.1334T>G(L445W) is based on the following criteria: This is a well-established pathogenic variant in the literature that has been observed more frequently in patients with clinical diagnoses than in healthy populations. Please note: this variant was assessed in the context of healthy population screening.

Genetics Laboratory, Department of Biology, Semnan University
Classification: Pathogenic for Pendred syndrome. Last evaluated: 2019-09-06. Review status: criteria provided, single submitter. Criteria: ACMG Guidelines, 2015. Collection method: research. Allele origin: germline. Inheritance: Autosomal recessive inheritance. Affected: no. Observed: 1 variant allele, 1 heterozygote.
Comment: The identified variant leads to the substitution of leucin 445 with Tryptophan (L445W) in the SLC26A4 protein. Hence, this substitution could alter the amino acid sequence and could leads to a decreased function of mutated protein.

Laboratory for Molecular Medicine, Mass General Brigham Personalized Medicine
Classification: Pathogenic for Rare genetic deafness. Last evaluated: 2010-09-27. Review status: criteria provided, single submitter. Criteria: LMM Criteria. Collection method: clinical testing. Allele origin: germline. Inheritance: Autosomal recessive inheritance. Observed: 9 variant alleles.
Comment: The p.Leu445Trp variant has been frequently reported in the literature and is kn own to be associated with the clinical features of DFNB4/Pendred syndrome (Van H auwe 1998, Cama 2009, Choi 2009, Kahrizi 2009, Lopez-Bigas 2001, Masmoudi 2000, Pera 2008, Wilch 2006). Therefore, this variant meets our criteria to be classif ied as pathogenic for DFNB4/Pendred syndrome in an autosomal recessive manner.

Baylor Genetics
Classification: Pathogenic for Pendred syndrome. Review status: criteria provided, single submitter. Criteria: ACMG Guidelines, 2015. Collection method: clinical testing. Allele origin: germline.

Equipe Genetique des Anomalies du Developpement, Université de Bourgogne
Classification: Pathogenic for Autosomal recessive nonsyndromic hearing loss 4. Review status: criteria provided, single submitter. Criteria: ACMG Guidelines, 2015. Collection method: clinical testing. Allele origin: unknown. Affected: yes.
Comment: Compound heterozygous (other variant: PED8698.12)

Kariminejad - Najmabadi Pathology & Genetics Center
Classification: Pathogenic for Pendred syndrome. Review status: criteria provided, single submitter. Criteria: ACMG Guidelines, 2015. Collection method: clinical testing. Allele origin: germline. Affected: no.

Molecular Genetics Laboratory, BC Children's and BC Women's Hospitals
Classification: Pathogenic for Pendred syndrome. Last evaluated: 2025-05-23. Review status: no assertion criteria provided. Criteria: ACMG Guidelines, 2015. Collection method: clinical testing. Allele origin: unknown. Affected: yes. Not counted in ClinVar's aggregate classification.

National Institute of Sensory Organs, National Hospital Organization Tokyo Medical Center
Classification: Affects for Autosomal recessive nonsyndromic hearing loss 4. Last evaluated: 2019-08-20. Review status: no assertion criteria provided. Collection method: clinical testing, in vitro. Allele origin: inherited, germline. Inheritance: Autosomal recessive inheritance. Affected: yes. Functional consequence: loss_of_function_variant. Not counted in ClinVar's aggregate classification.
Comment: in vitro experiment

OMIM
Classification: Pathogenic for PENDRED SYNDROME. Last evaluated: 2009-04-01. Review status: no assertion criteria provided. Collection method: literature only. Allele origin: germline. Not counted in ClinVar's aggregate classification.

Clinical Genetics, Academic Medical Center
Classification: Pathogenic. Review status: no assertion criteria provided. Collection method: clinical testing. Allele origin: germline. Affected: yes. Study: VKGL Data-share Consensus. Not counted in ClinVar's aggregate classification.

Joint Genome Diagnostic Labs from Nijmegen and Maastricht, Radboudumc and MUMC+
Classification: Pathogenic. Review status: no assertion criteria provided. Collection method: clinical testing. Allele origin: germline. Affected: yes. Study: VKGL Data-share Consensus. Not counted in ClinVar's aggregate classification.

Literature cited by the submitters: PubMed 26752218 (cited by 5 submitters); PubMed 20301640 (cited by Victorian Clinical Genetics Services, Murdoch Childrens Research Institute); PubMed 24224479 (cited by 7 submitters); PubMed 9618166 (cited by 7 submitters); PubMed 19204907 (cited by 7 submitters); PubMed 20128824 (cited by 5 submitters); PubMed 18813951 (cited by Genetics Research Center, University of Social Welfare and Rehabilitation Sciences and Laboratory for Molecular Medicine, Mass General Brigham Personalized Medicine); PubMed 31020658 (cited by Genetics Research Center, University of Social Welfare and Rehabilitation Sciences and AiLife Diagnostics); PubMed 19615760 (cited by 4 submitters); PubMed 31599023 (cited by 3 submitters); PubMed 27771369 (cited by 3 submitters); PubMed 28964290 (cited by 3 submitters); PubMed 33614372 (cited by Genetics Research Center, University of Social Welfare and Rehabilitation Sciences and AiLife Diagnostics); PubMed 20597900 (cited by Genetics Research Center, University of Social Welfare and Rehabilitation Sciences and Laboratory for Molecular Medicine, Mass General Brigham Personalized Medicine); PubMed 15689455 (cited by Genetics Research Center, University of Social Welfare and Rehabilitation Sciences and Laboratory for Molecular Medicine, Mass General Brigham Personalized Medicine); PubMed 15355436 (cited by 3 submitters); PubMed 11748854 (cited by Genetics Research Center, University of Social Welfare and Rehabilitation Sciences and Laboratory for Molecular Medicine, Mass General Brigham Personalized Medicine); PubMed 16570074 (cited by Genetics Research Center, University of Social Welfare and Rehabilitation Sciences and Myriad Genetics, Inc.); PubMed 18285825 (cited by 3 submitters); PubMed 10874637 (cited by Genetics Research Center, University of Social Welfare and Rehabilitation Sciences and Laboratory for Molecular Medicine, Mass General Brigham Personalized Medicine); PubMed 23273637 (cited by 4 submitters); PubMed 32645618 (cited by Genetics Research Center, University of Social Welfare and Rehabilitation Sciences and AiLife Diagnostics); PubMed 10602116 (cited by 3 submitters); PubMed 29048421 (cited by 3 submitters); PubMed 31589614 (cited by Genetics Research Center, University of Social Welfare and Rehabilitation Sciences and AiLife Diagnostics); PubMed 26226137 (cited by 3 submitters); PubMed 16773579 (cited by Genetics Research Center, University of Social Welfare and Rehabilitation Sciences and Laboratory for Molecular Medicine, Mass General Brigham Personalized Medicine); PubMed 31633822 (cited by Women's Health and Genetics/Laboratory Corporation of America, LabCorp); DOI 10.1016/j.ijporl.2012.05.014 (cited by Genetics Laboratory, Department of Biology, Semnan University).